The following is an entry in ClinVar:

ClinVar aggregate classification (germline): Uncertain significance (1 of 4 stars; one submission).

Allele frequency attached by ClinVar (database versions not stated): TOPMed below 0.00001; gnomAD 0.00001.
gnomAD v4.1: 1 of 1,611,996 alleles (0.000062%); highest among the groups gnomAD compares: Non-Finnish European, 0.000085%; no homozygotes.

Submission:

Labcorp Genetics (formerly Invitae), Labcorp
Classification: Uncertain significance. Last evaluated: 2023-07-22. Review status: criteria provided, single submitter. Criteria: Invitae Variant Classification Sherloc (09022015). Collection method: clinical testing. Allele origin: germline.
Comment: This sequence change replaces lysine, which is basic and polar, with asparagine, which is neutral and polar, at codon 269 of the RFWD3 protein (p.Lys269Asn). This variant is present in population databases (no rsID available, gnomAD 0.0009%). This variant has not been reported in the literature in individuals affected with RFWD3-related conditions. An algorithm developed to predict the effect of missense changes on protein structure and function (PolyPhen-2) suggests that this variant is likely to be disruptive. In summary, the available evidence is currently insufficient to determine the role of this variant in disease. Therefore, it has been classified as a Variant of Uncertain Significance.

NM_018124.4(RFWD3):c.807G>C (p.Lys269Asn)

Gene: RFWD3 (ring finger and WD repeat domain 3; minus strand). Cytogenetic location: 16q23.1.
Variant type: single nucleotide variant.
Coding change: c.807G>C on transcript NM_018124.4 (MANE Select); coding-DNA position 807, G replaced by C.
Protein change: p.Lys269Asn; replaces lysine 269 with asparagine.
Molecular consequence: missense variant. On other transcripts: 5 prime UTR variant (5).
Genome position (GRCh38, 1-based): chr16:74,644,721, C>G on the plus strand (G>C on the coding strand, the complement: RFWD3 is on the minus strand). VCF-style: chr16-74644721-C-G. GRCh37 (hg19) VCF-style: chr16-74678619-C-G.
Other names: c.807G>C, p.Lys269Asn (NM_001370534.1, NM_001370535.1, NM_001370536.1); c.-28G>C (NM_001370537.1, NM_001370539.1, NM_001370540.1 and 3 more transcripts); short protein forms K269N.
Identifiers: ClinVar variation 2867668 (VCV002867668.3), dbSNP rs1172371849, ClinGen allele CA396763107.